The following is an entry in ClinVar:

NM_000147.5(FUCA1):c.574C>G (p.Leu192Val)

Gene: FUCA1 (alpha-L-fucosidase 1; minus strand). Cytogenetic location: 1p36.11.
Variant type: single nucleotide variant.
Coding change: c.574C>G on transcript NM_000147.5 (MANE Select); coding-DNA position 574, C replaced by G.
Protein change: p.Leu192Val; replaces leucine 192 with valine.
Molecular consequence: missense variant.
Genome position (GRCh38, 1-based): chr1:23,863,222, G>C on the plus strand (C>G on the coding strand, the complement: FUCA1 is on the minus strand). VCF-style: chr1-23863222-G-C. GRCh37 (hg19) VCF-style: chr1-24189712-G-C.
Other names: short protein forms L192V.
Identifiers: ClinVar variation 1414372 (VCV001414372.6), dbSNP rs2148447710, ClinGen allele CA339006298.

ClinVar aggregate classification (germline): Uncertain significance (1 of 4 stars; one submission).

Conditions:
Fucosidosis. Also called: ALPHA-L-FUCOSIDASE DEFICIENCY. Identifiers: Orphanet 349, MedGen C0016788, MONDO:0009254, OMIM 230000.

Submission:

Labcorp Genetics (formerly Invitae), Labcorp
Classification: Uncertain significance for Fucosidosis. Last evaluated: 2022-10-24. Review status: criteria provided, single submitter. Criteria: Invitae Variant Classification Sherloc (09022015). Collection method: clinical testing. Allele origin: germline.
Comment: This sequence change replaces leucine, which is neutral and non-polar, with valine, which is neutral and non-polar, at codon 192 of the FUCA1 protein (p.Leu192Val). This variant is not present in population databases (gnomAD no frequency). This variant has not been reported in the literature in individuals affected with FUCA1-related conditions. ClinVar contains an entry for this variant (Variation ID: 1414372). Advanced modeling of protein sequence and biophysical properties (such as structural, functional, and spatial information, amino acid conservation, physicochemical variation, residue mobility, and thermodynamic stability) performed at Invitae indicates that this missense variant is not expected to disrupt FUCA1 protein function. In summary, the available evidence is currently insufficient to determine the role of this variant in disease. Therefore, it has been classified as a Variant of Uncertain Significance.